The following is an entry in ClinVar:

NM_201384.3(PLEC):c.3115G>A (p.Gly1039Arg)

Gene: PLEC (plectin; minus strand). Cytogenetic location: 8q24.3.
Variant type: single nucleotide variant.
Coding change: c.3115G>A on transcript NM_201384.3 (MANE Select); coding-DNA position 3115, G replaced by A.
Protein change: p.Gly1039Arg; replaces glycine 1039 with arginine.
Molecular consequence: missense variant.
Genome position (GRCh38, 1-based): chr8:143,929,248, C>T on the plus strand (G>A on the coding strand, the complement: PLEC is on the minus strand). VCF-style: chr8-143929248-C-T. GRCh37 (hg19) VCF-style: chr8-145003416-C-T.
Other names: c.3196G>A, p.Gly1066Arg (NM_000445.5); c.3073G>A, p.Gly1025Arg (NM_201378.4); c.3049G>A, p.Gly1017Arg (NM_201379.3); c.3526G>A, p.Gly1176Arg (NM_201380.4); c.3019G>A, p.Gly1007Arg (NM_201381.3); c.3115G>A, p.Gly1039Arg (NM_201382.4); c.3127G>A, p.Gly1043Arg (NM_201383.3); short protein forms G1007R, G1025R, G1017R, G1176R, G1066R, G1039R, G1043R.
Identifiers: ClinVar variation 1441599 (VCV001441599.6), dbSNP rs1554710525, ClinGen allele CA372569073.

ClinVar aggregate classification (germline): Uncertain significance (1 of 4 stars; one submission).

Conditions:
Epidermolysis bullosa simplex 5B, with muscular dystrophy (EBS5B). Also called: EPIDERMOLYSIS BULLOSA SIMPLEX AND LIMB-GIRDLE MUSCULAR DYSTROPHY; Epidermolysis bullosa simplex with muscular dystrophy. Identifiers: Orphanet 257, MedGen C2931072, MONDO:0009181, OMIM 226670.
Epidermolysis bullosa simplex 5C, with pyloric atresia (EBS5C). Also called: Epidermolysis bullosa simplex with pyloric atresia; PLEC-Related Epidermolysis Bullosa with Pyloric Atresia; PLEC1-Related Epidermolysis Bullosa with Pyloric Atresia. Identifiers: Orphanet 158684, MedGen C2677349, MONDO:0012807, OMIM 612138.
Autosomal recessive limb-girdle muscular dystrophy type 2Q (LGMDR17). Also called: MUSCULAR DYSTROPHY, LIMB-GIRDLE, AUTOSOMAL RECESSIVE 17. Identifiers: Orphanet 254361, MedGen C3150989, MONDO:0013390, OMIM 613723.
Epidermolysis bullosa simplex with nail dystrophy (EBS5D). Identifiers: MedGen C4225309, MONDO:0014661, OMIM 616487.
Epidermolysis bullosa simplex, Ogna type (EBS5A). Also called: Pidermolysis bullosa simplex 5A, Ogna type; EPIDERMOLYSIS BULLOSA SIMPLEX 5A, OGNA TYPE. Identifiers: Orphanet 79401, MedGen C0432317, MONDO:0007555, OMIM 131950.

Allele frequency attached by ClinVar (database versions not stated): gnomAD exomes below 0.00001.
gnomAD v4.1: 1 of 1,601,946 alleles (0.000062%); highest among the groups gnomAD compares: Non-Finnish European, 0.000085%; no homozygotes.

Submission:

Labcorp Genetics (formerly Invitae), Labcorp
Classification: Uncertain significance for Autosomal recessive limb-girdle muscular dystrophy type 2Q; Epidermolysis bullosa simplex, Ogna type; Epidermolysis bullosa simplex with nail dystrophy; Epidermolysis bullosa simplex 5C, with pyloric atresia; Epidermolysis bullosa simplex 5B, with muscular dystrophy. Last evaluated: 2022-10-25. Review status: criteria provided, single submitter. Criteria: Invitae Variant Classification Sherloc (09022015). Collection method: clinical testing. Allele origin: germline.
Comment: In summary, the available evidence is currently insufficient to determine the role of this variant in disease. Therefore, it has been classified as a Variant of Uncertain Significance. This variant is not present in population databases (gnomAD no frequency). This sequence change replaces glycine, which is neutral and non-polar, with arginine, which is basic and polar, at codon 1066 of the PLEC protein (p.Gly1066Arg). Advanced modeling of protein sequence and biophysical properties (such as structural, functional, and spatial information, amino acid conservation, physicochemical variation, residue mobility, and thermodynamic stability) performed at Invitae indicates that this missense variant is not expected to disrupt PLEC protein function. ClinVar contains an entry for this variant (Variation ID: 1441599). This variant has not been reported in the literature in individuals affected with PLEC-related conditions.